The following is an entry in ClinVar:

ClinVar aggregate classification (germline): Uncertain significance (1 of 4 stars; one submission).

gnomAD v4.1: 13 of 1,613,210 alleles (0.00081%); highest among the groups gnomAD compares: Admixed American, 0.0084%; no homozygotes.

Submission:

Women's Health and Genetics/Laboratory Corporation of America, LabCorp
Classification: Uncertain significance. Last evaluated: 2024-09-18. Review status: criteria provided, single submitter. Criteria: LabCorp Variant Classification Summary - May 2015. Collection method: clinical testing. Allele origin: germline.
Comment: Variant summary: DIP2B c.1551G>A (p.Glu517Glu) alters a conserved nucleotide located close to a canonical splice site and therefore could affect mRNA splicing, leading to a significantly altered protein sequence. Several computational tools predict a significant impact on normal splicing: Three predict the variant weakens a 5' donor site. However, these predictions have yet to be confirmed by functional studies. The variant allele was found at a frequency of 8e-06 in 250288 control chromosomes (gnomAD). The available data on variant occurrences in the general population are insufficient to allow any conclusion about variant significance. To our knowledge, no occurrence of c.1551G>A in individuals affected with Intellectual Disability, FRA12A Type and no experimental evidence demonstrating its impact on protein function have been reported. No submitters have cited clinical-significance assessments for this variant to ClinVar. Based on the evidence outlined above, the variant was classified as uncertain significance.

NM_173602.3(DIP2B):c.1551G>A (p.Glu517=)

Gene: DIP2B (disco interacting protein 2 homolog B; plus strand). Cytogenetic location: 12q13.12.
Variant type: single nucleotide variant.
Coding change: c.1551G>A on transcript NM_173602.3 (MANE Select); coding-DNA position 1551, G replaced by A.
Protein change: p.Glu517=; no amino-acid change (glutamic acid 517 retained).
Molecular consequence: synonymous variant.
Genome position (GRCh38, 1-based): chr12:50,686,682, G>A. VCF-style: chr12-50686682-G-A. GRCh37 (hg19) VCF-style: chr12-51080465-G-A.
Identifiers: ClinVar variation 3375406 (VCV003375406.1).